The following is an entry in ClinVar:

ClinVar aggregate classification (germline): Uncertain significance. Review status: criteria provided, multiple submitters, no conflicts (2 of 4 stars). 2 submissions from 2 submitters: Uncertain significance (2). Last evaluated 2022-07-26.

Conditions:
Primary ciliary dyskinesia. Also called: Ciliary dyskinesia. Identifiers: Orphanet 244, MedGen C0008780, MONDO:0016575, HP:0012265.
Primary ciliary dyskinesia 12. Also called: CILIARY DYSKINESIA, PRIMARY, 12, WITHOUT SITUS INVERSUS. Identifiers: Orphanet 244, MedGen C2675228, MONDO:0012979, OMIM 612650.

Allele frequency attached by ClinVar (database versions not stated): gnomAD exomes 0.00005 and 0.00006; TOPMed 0.00005; ExAC 0.00006; ESP Exome Variant Server 0.00008.
gnomAD v4.1: 78 of 1,613,882 alleles (0.0048%); highest among the groups gnomAD compares: Middle Eastern, 0.17%; no homozygotes.

Submissions (2):

Labcorp Genetics (formerly Invitae), Labcorp
Classification: Uncertain significance for Primary ciliary dyskinesia. Last evaluated: 2022-07-26. Review status: criteria provided, single submitter. Criteria: Invitae Variant Classification Sherloc (09022015). Collection method: clinical testing. Allele origin: germline.
Comment: In summary, the available evidence is currently insufficient to determine the role of this variant in disease. Therefore, it has been classified as a Variant of Uncertain Significance. Algorithms developed to predict the effect of missense changes on protein structure and function output the following: SIFT: "Tolerated"; PolyPhen-2: "Benign"; Align-GVGD: "Class C0". The valine amino acid residue is found in multiple mammalian species, which suggests that this missense change does not adversely affect protein function. ClinVar contains an entry for this variant (Variation ID: 1444848). This variant has not been reported in the literature in individuals affected with RSPH9-related conditions. This variant is present in population databases (rs142194323, gnomAD 0.009%). This sequence change replaces alanine, which is neutral and non-polar, with valine, which is neutral and non-polar, at codon 94 of the RSPH9 protein (p.Ala94Val).

Fulgent Genetics
Classification: Uncertain significance for Primary ciliary dyskinesia 12. Last evaluated: 2021-11-02. Review status: criteria provided, single submitter. Criteria: ACMG Guidelines, 2015. Collection method: clinical testing. Allele origin: unknown.

NM_152732.5(RSPH9):c.281C>T (p.Ala94Val)

Gene: RSPH9 (radial spoke head component 9; plus strand). Cytogenetic location: 6p21.1.
Variant type: single nucleotide variant.
Coding change: c.281C>T on transcript NM_152732.5 (MANE Select); coding-DNA position 281, C replaced by T.
Protein change: p.Ala94Val; replaces alanine 94 with valine.
Molecular consequence: missense variant. On other transcripts: non-coding transcript variant (1).
Genome position (GRCh38, 1-based): chr6:43,650,428, C>T. VCF-style: chr6-43650428-C-T. GRCh37 (hg19) VCF-style: chr6-43618165-C-T.
Other names: c.281C>T, p.Ala94Val (NM_001193341.2, NM_001424119.1, NM_001424120.1 and 1 more transcripts); short protein forms A94V.
Identifiers: ClinVar variation 1444848 (VCV001444848.8), dbSNP rs142194323, ClinGen allele CA3828268.
Genomic context (GRCh38, chr6:43,650,428, plus strand): 5'-TTGGCAGCCTGAACTGCACAGAGTGGAGCCTCTTGCCCCCTGCCACAGAGGAGATGGTGG[C>T]GCAGTCGTCTGTGGTGAAGGGCCGCTTCATGGGGGACCCATCATACGAATATGAACACAC-3'
Protein context (NP_689945.2, residues 84-104): LLPPATEEMV[Ala94Val]QSSVVKGRFM